The following is an entry in ClinVar:

NM_001854.4(COL11A1):c.2893C>T (p.Pro965Ser)

Gene: COL11A1 (collagen type XI alpha 1 chain; minus strand). Cytogenetic location: 1p21.1.
Variant type: single nucleotide variant.
Coding change: c.2893C>T on transcript NM_001854.4 (MANE Select); coding-DNA position 2893, C replaced by T.
Protein change: p.Pro965Ser; replaces proline 965 with serine.
Molecular consequence: missense variant. On other transcripts: non-coding transcript variant (1).
Genome position (GRCh38, 1-based): chr1:102,965,510, G>A on the plus strand (C>T on the coding strand, the complement: COL11A1 is on the minus strand). VCF-style: chr1-102965510-G-A. GRCh37 (hg19) VCF-style: chr1-103431066-G-A.
Other names: c.2893C>T (NM_001854.3); c.2545C>T, p.Pro849Ser (NM_001168249.1, NM_080630.4); c.2776C>T, p.Pro926Ser (NM_001190709.2); c.2929C>T, p.Pro977Ser (NM_080629.3); short protein forms P926S, P977S, P849S, P965S.
Identifiers: ClinVar variation 2907655 (VCV002907655.5), dbSNP rs1470107899, ClinGen allele CA341159811.
Genomic context (GRCh38, chr1:102,965,510, plus strand): 5'-ATAAATCTTGCTTGGGAAATAAAGCAAAGGAACATACCTGTGGTCCAACCACTCCCCCTG[G>A]CCCAGGAGGGCCGGTCTTGCCTTGAAATCCCTAAGGAGGCAAAGTATTATTTGTAAAAGC-3'
Protein context (NP_001845.3, residues 955-975): GFQGKTGPPG[Pro965Ser]GGVVGPQGPT

ClinVar aggregate classification (germline): Uncertain significance. Review status: criteria provided, multiple submitters, no conflicts (2 of 4 stars). 3 submissions from 3 submitters: Uncertain significance (3). Last evaluated 2025-05-19.

Conditions:
Inborn genetic diseases. Identifiers: MedGen C0950123, MeSH D030342.

gnomAD v4.1: 22 of 1,613,618 alleles (0.0014%); highest among the groups gnomAD compares: Admixed American, 0.0033%; no homozygotes.

Submissions (3):

Labcorp Genetics (formerly Invitae), Labcorp
Classification: Uncertain significance. Last evaluated: 2025-05-19. Review status: criteria provided, single submitter. Criteria: Invitae Variant Classification Sherloc (09022015). Collection method: clinical testing. Allele origin: germline.
Comment: This sequence change replaces proline, which is neutral and non-polar, with serine, which is neutral and polar, at codon 965 of the COL11A1 protein (p.Pro965Ser). This variant is present in population databases (no rsID available, gnomAD 0.003%). This variant has not been reported in the literature in individuals affected with COL11A1-related conditions. ClinVar contains an entry for this variant (Variation ID: 2907655). Invitae Evidence Modeling of protein sequence and biophysical properties (such as structural, functional, and spatial information, amino acid conservation, physicochemical variation, residue mobility, and thermodynamic stability) indicates that this missense variant is not expected to disrupt COL11A1 protein function with a negative predictive value of 80%. In summary, the available evidence is currently insufficient to determine the role of this variant in disease. Therefore, it has been classified as a Variant of Uncertain Significance.

Ambry Genetics
Classification: Uncertain significance for Inborn genetic diseases. Last evaluated: 2025-01-27. Review status: criteria provided, single submitter. Criteria: Ambry Variant Classification Scheme 2023. Collection method: clinical testing. Allele origin: germline.

Blueprint Genetics
Classification: Uncertain significance. Last evaluated: 2022-02-14. Review status: criteria provided, single submitter. Criteria: ACMG Guidelines, 2015. Collection method: clinical testing. Allele origin: germline.